The following is an entry in ClinVar:

NM_021830.5(TWNK):c.727G>A (p.Ala243Thr)

Gene: TWNK (twinkle mtDNA helicase; plus strand). Cytogenetic location: 10q24.31.
Variant type: single nucleotide variant.
Coding change: c.727G>A on transcript NM_021830.5 (MANE Select); coding-DNA position 727, G replaced by A.
Protein change: p.Ala243Thr; replaces alanine 243 with threonine.
Molecular consequence: missense variant. On other transcripts: non-coding transcript variant (4), intron variant (3).
Genome position (GRCh38, 1-based): chr10:100,988,937, G>A. VCF-style: chr10-100988937-G-A. GRCh37 (hg19) VCF-style: chr10-102748694-G-A.
Other names: c.727G>A, p.Ala243Thr (NM_001163812.2); c.-119-707G>A (NM_001163814.2, NM_001163813.2); c.-57-769G>A (NM_001368275.1); short protein forms A243T.
Identifiers: ClinVar variation 1371531 (VCV001371531.8), dbSNP rs1400893442, ClinGen allele CA378208253.

ClinVar aggregate classification (germline): Uncertain significance (1 of 4 stars; one submission).

Allele frequency attached by ClinVar (database versions not stated): gnomAD exomes below 0.00001; gnomAD 0.00001; TOPMed 0.00002.
gnomAD v4.1: 6 of 1,614,022 alleles (0.00037%); highest among the groups gnomAD compares: Admixed American, 0.0017%; no homozygotes.

Submission:

Labcorp Genetics (formerly Invitae), Labcorp
Classification: Uncertain significance. Last evaluated: 2023-10-05. Review status: criteria provided, single submitter. Criteria: Invitae Variant Classification Sherloc (09022015). Collection method: clinical testing. Allele origin: germline.
Comment: This sequence change replaces alanine, which is neutral and non-polar, with threonine, which is neutral and polar, at codon 243 of the TWNK protein (p.Ala243Thr). This variant is present in population databases (no rsID available, gnomAD no frequency). This variant has not been reported in the literature in individuals affected with TWNK-related conditions. ClinVar contains an entry for this variant (Variation ID: 1371531). Advanced modeling of protein sequence and biophysical properties (such as structural, functional, and spatial information, amino acid conservation, physicochemical variation, residue mobility, and thermodynamic stability) performed at Invitae indicates that this missense variant is not expected to disrupt TWNK protein function. In summary, the available evidence is currently insufficient to determine the role of this variant in disease. Therefore, it has been classified as a Variant of Uncertain Significance.